The following is an entry in ClinVar:

ClinVar aggregate classification (germline): Uncertain significance (1 of 4 stars; one submission).

Conditions:
Familial cancer of breast. Also called: Hereditary breast cancer; hereditary breast carcinoma; BREAST CANCER, FAMILIAL. Identifiers: Orphanet 227535, MedGen C0346153, MONDO:0016419, OMIM 114480. Disease mechanism: loss of function.

Submission:

Labcorp Genetics (formerly Invitae), Labcorp
Classification: Uncertain significance for Familial cancer of breast. Last evaluated: 2022-01-27. Review status: criteria provided, single submitter. Criteria: Invitae Variant Classification Sherloc (09022015). Collection method: clinical testing. Allele origin: germline.
Comment: This sequence change replaces histidine, which is basic and polar, with glutamine, which is neutral and polar, at codon 371 of the CHEK2 protein (p.His371Gln). This variant is not present in population databases (gnomAD no frequency). This variant has not been reported in the literature in individuals affected with CHEK2-related conditions. ClinVar contains an entry for this variant (Variation ID: 1005830). Algorithms developed to predict the effect of missense changes on protein structure and function output the following: SIFT: "Tolerated"; PolyPhen-2: "Benign"; Align-GVGD: "Class C0". The glutamine amino acid residue is found in multiple mammalian species, which suggests that this missense change does not adversely affect protein function. Algorithms developed to predict the effect of sequence changes on RNA splicing suggest that this variant may create or strengthen a splice site. In summary, the available evidence is currently insufficient to determine the role of this variant in disease. Therefore, it has been classified as a Variant of Uncertain Significance.

NM_007194.4(CHEK2):c.1113C>G (p.His371Gln)

Gene: CHEK2 (checkpoint kinase 2; minus strand). Cytogenetic location: 22q12.1.
Variant type: single nucleotide variant.
Coding change: c.1113C>G on transcript NM_007194.4 (MANE Select); coding-DNA position 1113, C replaced by G.
Protein change: p.His371Gln; replaces histidine 371 with glutamine.
Molecular consequence: missense variant.
Genome position (GRCh38, 1-based): chr22:28,695,856, G>C on the plus strand (C>G on the coding strand, the complement: CHEK2 is on the minus strand). VCF-style: chr22-28695856-G-C. GRCh37 (hg19) VCF-style: chr22-29091844-G-C.
Other names: c.1242C>G, p.His414Gln (NM_001005735.3); c.450C>G, p.His150Gln (NM_001257387.3); c.912C>G, p.His304Gln (NM_001349956.3); c.1026C>G, p.His342Gln (NM_145862.3); short protein forms H150Q, H304Q, H342Q, H371Q, H414Q.
Identifiers: ClinVar variation 1005830 (VCV001005830.9), dbSNP rs876659094, ClinGen allele CA411097111.